The following is an entry in ClinVar:

ClinVar aggregate classification (germline): Uncertain significance (1 of 4 stars; one submission).

Submission:

Labcorp Genetics (formerly Invitae), Labcorp
Classification: Uncertain significance. Last evaluated: 2025-07-08. Review status: criteria provided, single submitter. Criteria: Invitae Variant Classification Sherloc (09022015). Collection method: clinical testing. Allele origin: germline.
Comment: This sequence change replaces phenylalanine, which is neutral and non-polar, with valine, which is neutral and non-polar, at codon 718 of the UNC80 protein (p.Phe718Val). This variant is not present in population databases (gnomAD no frequency). This variant has not been reported in the literature in individuals affected with UNC80-related conditions. An algorithm developed to predict the effect of missense changes on protein structure and function (PolyPhen-2) suggests that this variant is likely to be tolerated. In summary, the available evidence is currently insufficient to determine the role of this variant in disease. Therefore, it has been classified as a Variant of Uncertain Significance.

NM_001371986.1(UNC80):c.2152T>G (p.Phe718Val)

Gene: UNC80 (unc-80 subunit of NALCN channel complex; plus strand). Cytogenetic location: 2q34.
Variant type: single nucleotide variant.
Coding change: c.2152T>G on transcript NM_001371986.1 (MANE Select); coding-DNA position 2152, T replaced by G.
Protein change: p.Phe718Val; replaces phenylalanine 718 with valine.
Molecular consequence: missense variant.
Genome position (GRCh38, 1-based): chr2:209,820,500, T>G. VCF-style: chr2-209820500-T-G. GRCh37 (hg19) VCF-style: chr2-210685224-T-G.
Other names: c.2152T>G, p.Phe718Val (NM_032504.2, NM_182587.4); short protein forms F718V.
Identifiers: ClinVar variation 4722816 (VCV004722816.1).